The following is an entry in ClinVar:

NM_001330360.2(POLA1):c.3697A>G (p.Ile1233Val)

Gene: POLA1 (DNA polymerase alpha 1, catalytic subunit; plus strand). Cytogenetic location: Xp22.11.
Variant type: single nucleotide variant.
Coding change: c.3697A>G on transcript NM_001330360.2 (MANE Select); coding-DNA position 3697, A replaced by G.
Protein change: p.Ile1233Val; replaces isoleucine 1233 with valine.
Molecular consequence: missense variant. On other transcripts: non-coding transcript variant (2).
Genome position (GRCh38, 1-based): chrX:24,826,562, A>G. VCF-style: chrX-24826562-A-G. GRCh37 (hg19) VCF-style: chrX-24844679-A-G.
Other names: c.3622A>G, p.Ile1208Val (NM_001378303.1); c.3679A>G, p.Ile1227Val (NM_016937.4); short protein forms I1208V, I1227V, I1233V.
Identifiers: ClinVar variation 3390511 (VCV003390511.1).

ClinVar aggregate classification (germline): Uncertain significance (1 of 4 stars; one submission).

Submission:

GeneDx
Classification: Uncertain significance. Last evaluated: 2024-06-13. Review status: criteria provided, single submitter. Criteria: GeneDx Variant Classification Process June 2021. Collection method: clinical testing. Allele origin: germline. Affected: yes.
Comment: Not observed at significant frequency in large population cohorts (gnomAD); In silico analysis indicates that this missense variant does not alter protein structure/function; Has not been previously published as pathogenic or benign to our knowledge